The following is an entry in ClinVar:

ClinVar aggregate classification (germline): Uncertain significance (1 of 4 stars; one submission).

Conditions:
Brugada syndrome 8 (BRGDA8). Identifiers: Orphanet 130, MedGen C2751083, MONDO:0013148, OMIM 613123.

Submission:

Labcorp Genetics (formerly Invitae), Labcorp
Classification: Uncertain significance for Brugada syndrome 8. Last evaluated: 2024-08-31. Review status: criteria provided, single submitter. Criteria: Invitae Variant Classification Sherloc (09022015). Collection method: clinical testing. Allele origin: germline.
Comment: This sequence change replaces serine, which is neutral and polar, with alanine, which is neutral and non-polar, at codon 1046 of the HCN4 protein (p.Ser1046Ala). This variant is not present in population databases (gnomAD no frequency). This variant has not been reported in the literature in individuals affected with HCN4-related conditions. Invitae Evidence Modeling of protein sequence and biophysical properties (such as structural, functional, and spatial information, amino acid conservation, physicochemical variation, residue mobility, and thermodynamic stability) indicates that this missense variant is not expected to disrupt HCN4 protein function with a negative predictive value of 95%. In summary, the available evidence is currently insufficient to determine the role of this variant in disease. Therefore, it has been classified as a Variant of Uncertain Significance.

NM_005477.3(HCN4):c.3136T>G (p.Ser1046Ala)

Gene: HCN4 (hyperpolarization activated cyclic nucleotide gated potassium channel 4; minus strand). Cytogenetic location: 15q24.1.
Variant type: single nucleotide variant.
Coding change: c.3136T>G on transcript NM_005477.3 (MANE Select); coding-DNA position 3136, T replaced by G.
Protein change: p.Ser1046Ala; replaces serine 1046 with alanine.
Molecular consequence: missense variant.
Genome position (GRCh38, 1-based): chr15:73,322,957, A>C on the plus strand (T>G on the coding strand, the complement: HCN4 is on the minus strand). VCF-style: chr15-73322957-A-C. GRCh37 (hg19) VCF-style: chr15-73615298-A-C.
Other names: short protein forms S1046A.
Identifiers: ClinVar variation 3636608 (VCV003636608.2).